The following is an entry in ClinVar:

NM_032790.4(ORAI1):c.292G>A (p.Gly98Ser)

Genes: ORAI1 (ORAI calcium release-activated calcium modulator 1; plus strand), LOC130008987 (ATAC-STARR-seq lymphoblastoid silent region 4981; plus strand). Cytogenetic location: 12q24.31.
Variant type: single nucleotide variant.
Coding change: c.292G>A on transcript NM_032790.4 (MANE Select); coding-DNA position 292, G replaced by A.
Protein change: p.Gly98Ser; replaces glycine 98 with serine.
Genome position (GRCh38, 1-based): chr12:121,627,039, G>A. VCF-style: chr12-121627039-G-A. GRCh37 (hg19) VCF-style: chr12-122064945-G-A.
Other names: short protein forms G98S.
Identifiers: ClinVar variation 189256 (VCV000189256.7), dbSNP rs786204796, ClinGen allele CA199185.

ClinVar aggregate classification (germline): Pathogenic. Review status: criteria provided, single submitter (1 of 4 stars). 2 submissions from 2 submitters: Pathogenic (1). 1 of the submissions does not count toward it. Last evaluated 2024-03-01.

Conditions:
Myopathy with tubular aggregates (TAM). Also called: Tubular Aggregate Myopathy. Identifiers: Orphanet 2593, MedGen C0410207, MONDO:0008051.
Myopathy, tubular aggregate, 2 (TAM2). Identifiers: MedGen C4014557, MONDO:0014383, OMIM 615883.

Submissions (2):

Muscle and Diseases Team, Institut de Génétique et Biologie Moléculaire et Cellulaire
Classification: Pathogenic for Myopathy with tubular aggregates. Last evaluated: 2024-03-01. Review status: criteria provided, single submitter. Criteria: ACMG Guidelines, 2015. Collection method: research. Allele origin: unknown. Affected: yes. Observed: 1 variant allele.
Comment: PS3+PM2+PM6+PP3+PP4

OMIM
Classification: Pathogenic for MYOPATHY, TUBULAR AGGREGATE, 2. Last evaluated: 2015-02-01. Review status: no assertion criteria provided. Collection method: literature only. Allele origin: germline. Not counted in ClinVar's aggregate classification.

Literature cited by the submitters: DOI 10.1186/s13073-024-01353-0 (cited by Muscle and Diseases Team, Institut de Génétique et Biologie Moléculaire et Cellulaire); PubMed 28058752 (cited by Muscle and Diseases Team, Institut de Génétique et Biologie Moléculaire et Cellulaire); PubMed 25227914 (cited by OMIM).